The following is an entry in ClinVar:

NM_005733.3(KIF20A):c.2193C>T (p.Asp731=)

Gene: KIF20A (kinesin family member 20A; plus strand). Cytogenetic location: 5q31.2.
Variant type: single nucleotide variant.
Coding change: c.2193C>T on transcript NM_005733.3 (MANE Select); coding-DNA position 2193, C replaced by T.
Protein change: p.Asp731=; no amino-acid change (aspartic acid 731 retained).
Molecular consequence: synonymous variant.
Genome position (GRCh38, 1-based): chr5:138,186,028, C>T. VCF-style: chr5-138186028-C-T. GRCh37 (hg19) VCF-style: chr5-137521717-C-T.
Identifiers: ClinVar variation 715400 (VCV000715400.12), dbSNP rs34771967, ClinGen allele CA3426840.
Genomic context (GRCh38, chr5:138,186,028, plus strand): 5'-TAAGTATCAGAAAATGTTAGAACCACCACCCTCAGCCAAGCCCTTCACCATTGATGTGGA[C>T]AAGAAGTTAGAAGAGGGCCAGAAGGTAATTACCACCATTCTCTGTTTACCAAACTCTTAC-3'
Protein context (NP_005724.1, residues 721-741): PSAKPFTIDV[Asp731=]KKLEEGQKNI

ClinVar aggregate classification (germline): Benign/Likely benign. Review status: criteria provided, multiple submitters, no conflicts (2 of 4 stars). 3 submissions from 3 submitters: Benign (1); Likely benign (2). Last evaluated 2026-05-01.

Allele frequency attached by ClinVar (database versions not stated): 1000 Genomes Project 30x 0.00156; 1000 Genomes Project 0.00160; gnomAD 0.00313 and 0.00317; gnomAD exomes 0.00342 and 0.00376; TOPMed 0.00344; ExAC 0.00374; ESP Exome Variant Server 0.00377.
gnomAD v4.1: 5,512 of 1,613,942 alleles (0.34%); highest among the groups gnomAD compares: Middle Eastern, 1.6%; 27 homozygotes.

Submissions (3):

CeGaT Center for Human Genetics Tuebingen
Classification: Likely benign. Last evaluated: 2026-05-01. Review status: criteria provided, single submitter. Criteria: CeGaT Center For Human Genetics Tuebingen Variant Classification Criteria Version 2. Collection method: clinical testing. Allele origin: germline. Affected: yes. Observed: 1 variant allele.
Comment: KIF20A: BP4, BP7, BS2

Labcorp Genetics (formerly Invitae), Labcorp
Classification: Benign. Last evaluated: 2026-02-03. Review status: criteria provided, single submitter. Criteria: Invitae Variant Classification Sherloc (09022015). Collection method: clinical testing. Allele origin: germline.

Blueprint Genetics
Classification: Likely benign. Last evaluated: 2024-11-25. Review status: criteria provided, single submitter. Criteria: ACMG Guidelines, 2015. Collection method: clinical testing. Allele origin: germline.